The following is an entry in ClinVar:

NM_001170629.2(CHD8):c.15C>G (p.Ile5Met)

Gene: CHD8 (chromodomain helicase DNA binding protein 8; minus strand). Cytogenetic location: 14q11.2.
Variant type: single nucleotide variant.
Coding change: c.15C>G on transcript NM_001170629.2 (MANE Select); coding-DNA position 15, C replaced by G.
Protein change: p.Ile5Met; replaces isoleucine 5 with methionine.
Molecular consequence: missense variant. On other transcripts: intron variant (1).
Genome position (GRCh38, 1-based): chr14:21,431,629, G>C on the plus strand (C>G on the coding strand, the complement: CHD8 is on the minus strand). VCF-style: chr14-21431629-G-C. GRCh37 (hg19) VCF-style: chr14-21899788-G-C.
Other names: c.6+182C>G (NM_020920.4); short protein forms I5M.
Identifiers: ClinVar variation 1487662 (VCV001487662.1), dbSNP rs1889567529, ClinGen allele CA388891620.

ClinVar aggregate classification (germline): Uncertain significance (1 of 4 stars; one submission).

Allele frequency attached by ClinVar (database versions not stated): TOPMed 0.00001.

Submission:

Labcorp Genetics (formerly Invitae), Labcorp
Classification: Uncertain significance. Last evaluated: 2021-11-18. Review status: criteria provided, single submitter. Criteria: Invitae Variant Classification Sherloc (09022015). Collection method: clinical testing. Allele origin: germline.
Comment: This sequence change replaces isoleucine, which is neutral and non-polar, with methionine, which is neutral and non-polar, at codon 5 of the CHD8 protein (p.Ile5Met). This variant is not present in population databases (gnomAD no frequency). This variant has not been reported in the literature in individuals affected with CHD8-related conditions. Algorithms developed to predict the effect of missense changes on protein structure and function are either unavailable or do not agree on the potential impact of this missense change (SIFT: "Tolerated"; PolyPhen-2: "Possibly Damaging"; Align-GVGD: "Class C0"). In summary, the available evidence is currently insufficient to determine the role of this variant in disease. Therefore, it has been classified as a Variant of Uncertain Significance.